The following is an entry in ClinVar:

ClinVar aggregate classification (germline): Pathogenic/Likely pathogenic. Review status: criteria provided, multiple submitters, no conflicts (2 of 4 stars). 4 submissions from 4 submitters: Pathogenic (1); Likely pathogenic (2). 1 of the submissions does not count toward it. Last evaluated 2025-07-01.

Conditions:
Charcot-Marie-Tooth Neuropathy X. Identifiers: MedGen CN118851.
Charcot-Marie-Tooth disease X-linked dominant 1. Also called: CHARCOT-MARIE-TOOTH NEUROPATHY, X-LINKED, 1; CHARCOT-MARIE-TOOTH PERONEAL MUSCULAR ATROPHY, X-LINKED; X-linked Charcot-Marie-Tooth disease type 1; Charcot-Marie-Tooth Neuropathy X Type 1; GJB1 Disorders: Charcot-Marie-Tooth Neuropathy (CMT1X) and Central Nervous System Phenotypes; HEREDITARY MOTOR AND SENSORY NEUROPATHY, X-LINKED. Identifiers: Orphanet 101075, MedGen C0393808, MONDO:0010549, OMIM 302800.

Allele frequency attached by ClinVar (database versions not stated): ExAC 0.00001; gnomAD exomes 0.00001.

Submissions (4):

CeGaT Center for Human Genetics Tuebingen
Classification: Likely pathogenic. Last evaluated: 2025-07-01. Review status: criteria provided, single submitter. Criteria: CeGaT Center For Human Genetics Tuebingen Variant Classification Criteria Version 2. Collection method: clinical testing. Allele origin: germline. Affected: yes. Observed: 2 variant alleles.
Comment: GJB1: PM2, PM5, PS4:Moderate, PS3:Supporting

GeneDx
Classification: Likely pathogenic. Last evaluated: 2024-07-10. Review status: criteria provided, single submitter. Criteria: GeneDx Variant Classification Process June 2021. Collection method: clinical testing. Allele origin: germline. Affected: yes.
Comment: Published function studies showed discordant results (PMID: 9592087, 15006706); Not observed at significant frequency in large population cohorts (gnomAD); Missense variants in this gene are a common cause of disease and they are underrepresented in the general population; In silico analysis supports that this missense variant has a deleterious effect on protein structure/function; This variant is associated with the following publications: (PMID: 34750751, 17353473, 21297078, 22342665, 9592087, 15006706, 9856562, 21692908, 8266101)

Labcorp Genetics (formerly Invitae), Labcorp
Classification: Pathogenic for Charcot-Marie-Tooth Neuropathy X. Last evaluated: 2023-10-20. Review status: criteria provided, single submitter. Criteria: Invitae Variant Classification Sherloc (09022015). Collection method: clinical testing. Allele origin: germline.
Comment: This sequence change replaces proline, which is neutral and non-polar, with serine, which is neutral and polar, at codon 172 of the GJB1 protein (p.Pro172Ser). This variant is present in population databases (rs104894811, gnomAD 0.005%). This missense change has been observed in individuals with CMTX (PMID: 8266101, 17353473, 21692908). ClinVar contains an entry for this variant (Variation ID: 10432). Advanced modeling of protein sequence and biophysical properties (such as structural, functional, and spatial information, amino acid conservation, physicochemical variation, residue mobility, and thermodynamic stability) performed at Invitae indicates that this missense variant is expected to disrupt GJB1 protein function. Experimental studies are conflicting or provide insufficient evidence to determine the effect of this variant on GJB1 function (PMID: 9592087, 15006706). This variant disrupts the p.Pro172 amino acid residue in GJB1. Other variant(s) that disrupt this residue have been determined to be pathogenic (PMID: 9633821, 9856562, 21692908, 27098783). This suggests that this residue is clinically significant, and that variants that disrupt this residue are likely to be disease-causing. For these reasons, this variant has been classified as Pathogenic.

OMIM
Classification: Pathogenic for CHARCOT-MARIE-TOOTH DISEASE, X-LINKED DOMINANT, 1. Last evaluated: 1993-12-24. Review status: no assertion criteria provided. Collection method: literature only. Allele origin: germline. Not counted in ClinVar's aggregate classification.

Literature cited by the submitters: PubMed 8266101 (cited by Labcorp Genetics (formerly Invitae), Labcorp and OMIM); PubMed 17353473 (cited by Labcorp Genetics (formerly Invitae), Labcorp); PubMed 21692908 (cited by Labcorp Genetics (formerly Invitae), Labcorp); PubMed 9592087 (cited by Labcorp Genetics (formerly Invitae), Labcorp); PubMed 15006706 (cited by Labcorp Genetics (formerly Invitae), Labcorp); PubMed 9633821 (cited by Labcorp Genetics (formerly Invitae), Labcorp); PubMed 9856562 (cited by Labcorp Genetics (formerly Invitae), Labcorp); PubMed 27098783 (cited by Labcorp Genetics (formerly Invitae), Labcorp).

NM_000166.6(GJB1):c.514C>T (p.Pro172Ser)

Gene: GJB1 (gap junction protein beta 1; plus strand). Cytogenetic location: Xq13.1.
Variant type: single nucleotide variant.
Coding change: c.514C>T on transcript NM_000166.6 (MANE Select); coding-DNA position 514, C replaced by T.
Protein change: p.Pro172Ser; replaces proline 172 with serine.
Molecular consequence: missense variant.
Genome position (GRCh38, 1-based): chrX:71,224,221, C>T. VCF-style: chrX-71224221-C-T. GRCh37 (hg19) VCF-style: chrX-70444071-C-T.
Other names: c.514C>T, p.Pro172Ser (NM_001097642.3); short protein forms P172S.
Identifiers: ClinVar variation 10432 (VCV000010432.51), dbSNP rs104894811, ClinGen allele CA255232.